The following is an entry in ClinVar:

NM_001614.5(ACTG1):c.124-8C>T

Gene: ACTG1 (actin gamma 1; minus strand). Cytogenetic location: 17q25.3.
Variant type: single nucleotide variant.
Coding change: c.124-8C>T on transcript NM_001614.5 (MANE Select); 8 bases into the intron before coding-DNA position 124, C replaced by T.
Molecular consequence: intron variant.
Genome position (GRCh38, 1-based): chr17:81,512,150, G>A on the plus strand (C>T on the coding strand, the complement: ACTG1 is on the minus strand). VCF-style: chr17-81512150-G-A. GRCh37 (hg19) VCF-style: chr17-79479176-G-A.
Other names: c.124-8C>T (NM_001199954.3).
Identifiers: ClinVar variation 226456 (VCV000226456.23), dbSNP rs201279208, ClinGen allele CA8836350.
Genomic context (GRCh38, chr17:81,512,150, plus strand): 5'-TGGGCCTCGTCGCCCACGTAGGAGTCCTTCTGGCCCATGCCCACCATGACGCCCTGCAGG[G>A]GACGACCCGTCAGCCTCGCCGGCGACACCGAACCCACCCCGCAACGCAGAACCCAGGAGC-3'

ClinVar aggregate classification (germline): Benign/Likely benign. Review status: criteria provided, multiple submitters, no conflicts (2 of 4 stars). 7 submissions from 6 submitters: Benign (6); Likely benign (1). Last evaluated 2026-01-17.

Conditions:
Baraitser-winter syndrome 2. Identifiers: Orphanet 2995, MedGen C3281235, MONDO:0013812, OMIM 614583.
Autosomal dominant nonsyndromic hearing loss 20. Identifiers: Orphanet 90635, MedGen C1858172, MONDO:0011480, OMIM 604717.

Allele frequency attached by ClinVar (database versions not stated): gnomAD below 0.00001 and 0.00021; TOPMed 0.00002; gnomAD exomes 0.00081; ExAC 0.00092; 1000 Genomes Project 30x 0.00141; 1000 Genomes Project 0.00160.
gnomAD v4.1: 612 of 1,613,506 alleles (0.038%); highest among the groups gnomAD compares: South Asian, 0.57%; 6 homozygotes.

Submissions (7):

Labcorp Genetics (formerly Invitae), Labcorp
Classification: Benign for Baraitser-winter syndrome 2; Autosomal dominant nonsyndromic hearing loss 20. Last evaluated: 2026-01-17. Review status: criteria provided, single submitter. Criteria: Invitae Variant Classification Sherloc (09022015). Collection method: clinical testing. Allele origin: germline.

Blueprint Genetics
Classification: Likely benign. Last evaluated: 2024-11-25. Review status: criteria provided, single submitter. Criteria: ACMG Guidelines, 2015. Collection method: clinical testing. Allele origin: germline.

Genome-Nilou Lab
Classification: Benign for Baraitser-winter syndrome 2. Last evaluated: 2021-12-05. Review status: criteria provided, single submitter. Criteria: ACMG Guidelines, 2015. Collection method: clinical testing. Allele origin: germline. Affected: no.

Genome-Nilou Lab
Classification: Benign for Autosomal dominant nonsyndromic hearing loss 20. Last evaluated: 2021-12-05. Review status: criteria provided, single submitter. Criteria: ACMG Guidelines, 2015. Collection method: clinical testing. Allele origin: germline. Affected: no.

GeneDx
Classification: Benign. Last evaluated: 2018-10-02. Review status: criteria provided, single submitter. Criteria: GeneDx Variant Classification Process June 2021. Collection method: clinical testing. Allele origin: germline. Affected: yes.

ARUP Laboratories, Molecular Genetics and Genomics, ARUP Laboratories
Classification: Benign. Last evaluated: 2018-09-14. Review status: criteria provided, single submitter. Criteria: ARUP Molecular Germline Variant Investigation Process. Collection method: clinical testing. Allele origin: germline.

Laboratory for Molecular Medicine, Mass General Brigham Personalized Medicine
Classification: Benign. Last evaluated: 2015-07-01. Review status: criteria provided, single submitter. Criteria: LMM Criteria. Collection method: clinical testing. Allele origin: germline. Observed: 1 variant allele.
Comment: c.124-8C>T in intron 2 of ACTG1: This variant is not expected to have clinical significance because it has been identified in 0.6% (105/16508) of South Asian c hromosomes by the Exome Aggregation Consortium (ExAC .org; dbSNP rs201279208). In addition, a C>T change at this position does not di verge from the splice consensus sequence and is therefore unlikely to impact spl icing.